The following is an entry in ClinVar:

ClinVar aggregate classification (germline): Uncertain significance (1 of 4 stars; one submission).

Conditions:
Ataxia-telangiectasia syndrome (AT). Also called: Ataxia-telangiectasia, complementation group D; AT, COMPLEMENTATION GROUP C; ATAXIA-TELANGIECTASIA, COMPLEMENTATION GROUP A; ATAXIA-TELANGIECTASIA, FRESNO VARIANT; Ataxia telangiectasia (A-T); Ataxia-telangiectasia. Identifiers: Orphanet 100, MedGen C0004135, MONDO:0008840, OMIM 208900.

Submission:

Labcorp Genetics (formerly Invitae), Labcorp
Classification: Uncertain significance for Ataxia-telangiectasia syndrome. Last evaluated: 2022-08-20. Review status: criteria provided, single submitter. Criteria: Invitae Variant Classification Sherloc (09022015). Collection method: clinical testing. Allele origin: germline.
Comment: Advanced modeling of protein sequence and biophysical properties (such as structural, functional, and spatial information, amino acid conservation, physicochemical variation, residue mobility, and thermodynamic stability) performed at Invitae indicates that this missense variant is not expected to disrupt ATM protein function. This sequence change replaces serine, which is neutral and polar, with arginine, which is basic and polar, at codon 1447 of the ATM protein (p.Ser1447Arg). This variant is not present in population databases (gnomAD no frequency). This missense change has been observed in individual(s) with breast cancer (PMID: 32959997). In summary, the available evidence is currently insufficient to determine the role of this variant in disease. Therefore, it has been classified as a Variant of Uncertain Significance.

Literature cited by the submitters: PubMed 32959997.

NM_000051.4(ATM):c.4339A>C (p.Ser1447Arg)

Gene: ATM (ATM serine/threonine kinase; plus strand). Cytogenetic location: 11q22.3.
Variant type: single nucleotide variant.
Coding change: c.4339A>C on transcript NM_000051.4 (MANE Select); coding-DNA position 4339, A replaced by C.
Protein change: p.Ser1447Arg; replaces serine 1447 with arginine.
Molecular consequence: missense variant.
Genome position (GRCh38, 1-based): chr11:108,289,704, A>C. VCF-style: chr11-108289704-A-C. GRCh37 (hg19) VCF-style: chr11-108160431-A-C.
Other names: c.4339A>C, p.Ser1447Arg (NM_001351834.2); short protein forms S1447R.
Identifiers: ClinVar variation 2098744 (VCV002098744.4), dbSNP rs1219568629, ClinGen allele CA382531947.